The following is an entry in ClinVar:

ClinVar aggregate classification (germline): Uncertain significance (1 of 4 stars; one submission).

Conditions:
Charcot-Marie-Tooth disease type 4. Also called: Charcot-Marie-Tooth disease, type IV; Charcot-Marie-Tooth, Type 4. Identifiers: Orphanet 64749, MedGen C4082197, MONDO:0018995.

Submission:

Labcorp Genetics (formerly Invitae), Labcorp
Classification: Uncertain significance for Charcot-Marie-Tooth disease type 4. Last evaluated: 2023-11-24. Review status: criteria provided, single submitter. Criteria: Invitae Variant Classification Sherloc (09022015). Collection method: clinical testing. Allele origin: germline.
Comment: This sequence change replaces lysine, which is basic and polar, with arginine, which is basic and polar, at codon 76 of the PRX protein (p.Lys76Arg). This variant is not present in population databases (gnomAD no frequency). This variant has not been reported in the literature in individuals affected with PRX-related conditions. An algorithm developed to predict the effect of missense changes on protein structure and function (PolyPhen-2) suggests that this variant is likely to be disruptive. Algorithms developed to predict the effect of sequence changes on RNA splicing suggest that this variant may disrupt the consensus splice site. In summary, the available evidence is currently insufficient to determine the role of this variant in disease. Therefore, it has been classified as a Variant of Uncertain Significance.

NM_181882.3(PRX):c.227A>G (p.Lys76Arg)

Gene: PRX (periaxin; minus strand). Cytogenetic location: 19q13.2.
Variant type: single nucleotide variant.
Coding change: c.227A>G on transcript NM_181882.3 (MANE Select); coding-DNA position 227, A replaced by G.
Protein change: p.Lys76Arg; replaces lysine 76 with arginine.
Molecular consequence: missense variant.
Genome position (GRCh38, 1-based): chr19:40,398,774, T>C on the plus strand (A>G on the coding strand, the complement: PRX is on the minus strand). VCF-style: chr19-40398774-T-C. GRCh37 (hg19) VCF-style: chr19-40904681-T-C.
Other names: c.512A>G, p.Lys171Arg (NM_001411127.1); c.227A>G, p.Lys76Arg (NM_020956.2); short protein forms K171R, K76R.
Identifiers: ClinVar variation 2696298 (VCV002696298.3), dbSNP rs2514811173, ClinGen allele CA405901339.